The following is an entry in ClinVar:

ClinVar aggregate classification (germline): Uncertain significance (1 of 4 stars; one submission).

Conditions:
NLRP3-related disorder. Also called: NLRP3-Related Disorders; NLRP3-related condition.

Submission:

PreventionGenetics, part of Exact Sciences
Classification: Uncertain significance for NLRP3-related condition. Last evaluated: 2026-09-11. Review status: criteria provided, single submitter. Criteria: ACMG Guidelines, 2015. Collection method: clinical testing. Allele origin: germline.
Comment: The NLRP3 c.1180G>A variant is predicted to result in the amino acid substitution p.Ala394Thr. To our knowledge, this variant has not been reported in the literature. This variant is reported in 0.0029% of alleles in individuals of Latino descent in gnomAD. At this time, the clinical significance of this variant is uncertain due to the absence of conclusive functional and genetic evidence.

NM_001243133.2(NLRP3):c.1174G>A (p.Ala392Thr)

Gene: NLRP3 (NLR family pyrin domain containing 3; plus strand). Cytogenetic location: 1q44.
Variant type: single nucleotide variant.
Coding change: c.1174G>A on transcript NM_001243133.2 (MANE Select); coding-DNA position 1174, G replaced by A.
Protein change: p.Ala392Thr; replaces alanine 392 with threonine.
Molecular consequence: missense variant.
Genome position (GRCh38, 1-based): chr1:247,424,623, G>A. VCF-style: chr1-247424623-G-A. GRCh37 (hg19) VCF-style: chr1-247587925-G-A.
Other names: c.1174G>A, p.Ala392Thr (NM_001079821.3, NM_001127461.3, NM_001127462.3 and 1 more transcripts); c.1180G>A, p.Ala394Thr (NM_004895.5); short protein forms A392T, A394T.
Identifiers: ClinVar variation 4977159 (VCV004977159.1).
Genomic context (GRCh38, chr1:247,424,623, plus strand): 5'-TCCGAGGCCAAAAGGAAAGAGTACTTCTTCAAGTACTTCTCTGATGAGGCCCAAGCCAGG[G>A]CAGCCTTCAGTCTGATTCAGGAGAACGAGGTCCTCTTCACCATGTGCTTCATCCCCCTGG-3'
Protein context (NP_001230062.1, residues 382-402): KYFSDEAQAR[Ala392Thr]AFSLIQENEV